The following is an entry in ClinVar:

ClinVar aggregate classification (germline): Uncertain significance (1 of 4 stars; one submission).

Conditions:
Emery-Dreifuss muscular dystrophy 5, autosomal dominant (EDMD5). Also called: EMERY-DREIFUSS MUSCULAR DYSTROPHY 5. Identifiers: Orphanet 261, MedGen C2751805, MONDO:0013072, OMIM 612999.

Allele frequency attached by ClinVar (database versions not stated): TOPMed below 0.00001.

Submission:

Labcorp Genetics (formerly Invitae), Labcorp
Classification: Uncertain significance for Emery-Dreifuss muscular dystrophy 5, autosomal dominant. Last evaluated: 2024-11-04. Review status: criteria provided, single submitter. Criteria: Invitae Variant Classification Sherloc (09022015). Collection method: clinical testing. Allele origin: germline.
Comment: This sequence change replaces proline, which is neutral and non-polar, with threonine, which is neutral and polar, at codon 6860 of the SYNE2 protein (p.Pro6860Thr). This variant is not present in population databases (gnomAD no frequency). This variant has not been reported in the literature in individuals affected with SYNE2-related conditions. ClinVar contains an entry for this variant (Variation ID: 1403781). An algorithm developed to predict the effect of missense changes on protein structure and function (PolyPhen-2) suggests that this variant is likely to be disruptive. In summary, the available evidence is currently insufficient to determine the role of this variant in disease. Therefore, it has been classified as a Variant of Uncertain Significance.

NM_182914.3(SYNE2):c.20578C>A (p.Pro6860Thr)

Gene: SYNE2 (spectrin repeat containing nuclear envelope protein 2; plus strand). Cytogenetic location: 14q23.2.
Variant type: single nucleotide variant.
Coding change: c.20578C>A on transcript NM_182914.3 (MANE Select); coding-DNA position 20578, C replaced by A.
Protein change: p.Pro6860Thr; replaces proline 6860 with threonine.
Molecular consequence: missense variant.
Genome position (GRCh38, 1-based): chr14:64,225,380, C>A. VCF-style: chr14-64225380-C-A. GRCh37 (hg19) VCF-style: chr14-64692098-C-A.
Other names: c.20512C>A, p.Pro6838Thr (NM_015180.6); c.1144C>A, p.Pro382Thr (NM_182910.2); c.1525C>A, p.Pro509Thr (NM_182913.4); short protein forms P6838T, P382T, P509T, P6860T.
Identifiers: ClinVar variation 1403781 (VCV001403781.7), dbSNP rs1284163131, ClinGen allele CA389984218.